The following is an entry in ClinVar:

NM_015192.4(PLCB1):c.3129G>T (p.Thr1043=)

Gene: PLCB1 (phospholipase C beta 1; plus strand). Cytogenetic location: 20p12.3.
Variant type: single nucleotide variant.
Coding change: c.3129G>T on transcript NM_015192.4 (MANE Select); coding-DNA position 3129, G replaced by T.
Protein change: p.Thr1043=; no amino-acid change (threonine 1043 retained).
Molecular consequence: synonymous variant.
Genome position (GRCh38, 1-based): chr20:8,788,466, G>T. VCF-style: chr20-8788466-G-T. GRCh37 (hg19) VCF-style: chr20-8769113-G-T.
Other names: c.3129G>T, p.Thr1043= (NM_182734.3).
Identifiers: ClinVar variation 538908 (VCV000538908.30), dbSNP rs141102170, ClinGen allele CA9760469.
Genomic context (GRCh38, chr20:8,788,466, plus strand): 5'-TTGCAATCATTTGAAATAGCAAACTGACATTTTCTTTTTCCAGCTTATTCAAAAGTTGAC[G>T]GATGTCGCAGAAGAGTGTCAGAACAATCAGTTAAAGAAGCTCAAAGAAATCTGTGAGAAG-3'
Protein context (NP_056007.1, residues 1033-1053): EHIKLLIQKL[Thr1043=]DVAEECQNNQ

ClinVar aggregate classification (germline): Benign/Likely benign. Review status: criteria provided, multiple submitters, no conflicts (2 of 4 stars). 3 submissions from 3 submitters: Benign (1); Likely benign (2). Last evaluated 2026-05-01.

Conditions:
Inborn genetic diseases. Identifiers: MedGen C0950123, MeSH D030342.
Developmental and epileptic encephalopathy, 12 (DEE12). Identifiers: MedGen C3150988, MONDO:0013389, OMIM 613722.

Allele frequency attached by ClinVar (database versions not stated): TOPMed 0.00007; gnomAD 0.00010; 1000 Genomes Project 0.00180; 1000 Genomes Project 30x 0.00203.
gnomAD v4.1: 899 of 1,613,394 alleles (0.056%); highest among the groups gnomAD compares: South Asian, 0.92%; 13 homozygotes.

Submissions (3):

CeGaT Center for Human Genetics Tuebingen
Classification: Likely benign. Last evaluated: 2026-05-01. Review status: criteria provided, single submitter. Criteria: CeGaT Center For Human Genetics Tuebingen Variant Classification Criteria Version 2. Collection method: clinical testing. Allele origin: germline. Affected: yes. Observed: 3 variant alleles.
Comment: PLCB1: BP4, BP7, BS2

Labcorp Genetics (formerly Invitae), Labcorp
Classification: Benign for Developmental and epileptic encephalopathy, 12. Last evaluated: 2026-01-28. Review status: criteria provided, single submitter. Criteria: Invitae Variant Classification Sherloc (09022015). Collection method: clinical testing. Allele origin: germline.

Ambry Genetics
Classification: Likely benign for Inborn genetic diseases. Last evaluated: 2016-10-05. Review status: criteria provided, single submitter. Criteria: Ambry Variant Classification Scheme 2023. Collection method: clinical testing. Allele origin: germline.